The following is an entry in ClinVar:

NM_012301.4(MAGI2):c.774C>A (p.Asp258Glu)

Gene: MAGI2 (membrane associated guanylate kinase, WW and PDZ domain containing 2; minus strand). Cytogenetic location: 7q21.11.
Variant type: single nucleotide variant.
Coding change: c.774C>A on transcript NM_012301.4 (MANE Select); coding-DNA position 774, C replaced by A.
Protein change: p.Asp258Glu; replaces aspartic acid 258 with glutamic acid.
Molecular consequence: missense variant.
Genome position (GRCh38, 1-based): chr7:78,501,768, G>T on the plus strand (C>A on the coding strand, the complement: MAGI2 is on the minus strand). VCF-style: chr7-78501768-G-T. GRCh37 (hg19) VCF-style: chr7-78131085-G-T.
Other names: c.774C>A, p.Asp258Glu (NM_001301128.2); short protein forms D258E.
Identifiers: ClinVar variation 1950001 (VCV001950001.6), dbSNP rs936991917, ClinGen allele CA161247532.

ClinVar aggregate classification (germline): Uncertain significance. Review status: criteria provided, multiple submitters, no conflicts (2 of 4 stars). 2 submissions from 2 submitters: Uncertain significance (2). Last evaluated 2024-05-14.

Conditions:
Nephrotic syndrome 15. Identifiers: MedGen C4539896, MONDO:0033262, OMIM 617609.

Allele frequency attached by ClinVar (database versions not stated): gnomAD exomes below 0.00001; gnomAD 0.00001; TOPMed 0.00001.
gnomAD v4.1: 11 of 1,613,538 alleles (0.00068%); highest among the groups gnomAD compares: African/African-American, 0.004%; no homozygotes.

Submissions (2):

Fulgent Genetics
Classification: Uncertain significance for Nephrotic syndrome 15. Last evaluated: 2024-05-14. Review status: criteria provided, single submitter. Criteria: ACMG Guidelines, 2015. Collection method: clinical testing. Allele origin: germline.

Labcorp Genetics (formerly Invitae), Labcorp
Classification: Uncertain significance. Last evaluated: 2022-08-06. Review status: criteria provided, single submitter. Criteria: Invitae Variant Classification Sherloc (09022015). Collection method: clinical testing. Allele origin: germline.
Comment: In summary, the available evidence is currently insufficient to determine the role of this variant in disease. Therefore, it has been classified as a Variant of Uncertain Significance. Algorithms developed to predict the effect of missense changes on protein structure and function output the following: SIFT: "Tolerated"; PolyPhen-2: "Benign"; Align-GVGD: "Class C0". The glutamic acid amino acid residue is found in multiple mammalian species, which suggests that this missense change does not adversely affect protein function. This variant has not been reported in the literature in individuals affected with MAGI2-related conditions. This variant is not present in population databases (gnomAD no frequency). This sequence change replaces aspartic acid, which is acidic and polar, with glutamic acid, which is acidic and polar, at codon 258 of the MAGI2 protein (p.Asp258Glu).